The following is an entry in ClinVar:

NM_000116.5(TAFAZZIN):c.872G>A (p.Gly291Glu)

Gene: TAFAZZIN (tafazzin, phospholipid-lysophospholipid transacylase; plus strand). Cytogenetic location: Xq28.
Variant type: single nucleotide variant.
Coding change: c.872G>A on transcript NM_000116.5 (MANE Select); coding-DNA position 872, G replaced by A.
Protein change: p.Gly291Glu; replaces glycine 291 with glutamic acid.
Molecular consequence: missense variant. On other transcripts: non-coding transcript variant (1).
Genome position (GRCh38, 1-based): chrX:154,420,997, G>A. VCF-style: chrX-154420997-G-A. GRCh37 (hg19) VCF-style: chrX-153649336-G-A.
Other names: c.884G>A, p.Gly295Glu (NM_001303465.2); c.836G>A, p.Gly279Glu (NM_001410698.1); c.782G>A, p.Gly261Glu (NM_181311.4); c.830G>A, p.Gly277Glu (NM_181312.4); c.740G>A, p.Gly247Glu (NM_181313.4); short protein forms G279E, G261E, G277E, G291E, G247E, G295E.
Identifiers: ClinVar variation 3714324 (VCV003714324.2).

ClinVar aggregate classification (germline): Uncertain significance (1 of 4 stars; one submission).

Conditions:
3-Methylglutaconic aciduria type 2 (BTHS). Also called: CARDIOSKELETAL MYOPATHY WITH NEUTROPENIA AND ABNORMAL MITOCHONDRIA; Barth syndrome. Identifiers: Orphanet 111, MedGen C0574083, MONDO:0010543, OMIM 302060.

Submission:

Labcorp Genetics (formerly Invitae), Labcorp
Classification: Uncertain significance for 3-Methylglutaconic aciduria type 2. Last evaluated: 2024-12-06. Review status: criteria provided, single submitter. Criteria: Invitae Variant Classification Sherloc (09022015). Collection method: clinical testing. Allele origin: germline.
Comment: This sequence change replaces glycine, which is neutral and non-polar, with glutamic acid, which is acidic and polar, at codon 291 of the TAZ protein (p.Gly291Glu). This variant is present in population databases (no rsID available, gnomAD 0.005%). This variant has not been reported in the literature in individuals affected with TAZ-related conditions. An algorithm developed to predict the effect of missense changes on protein structure and function (PolyPhen-2) suggests that this variant is likely to be tolerated. In summary, the available evidence is currently insufficient to determine the role of this variant in disease. Therefore, it has been classified as a Variant of Uncertain Significance.